The following is an entry in ClinVar:

ClinVar aggregate classification (germline): Uncertain significance. Review status: criteria provided, multiple submitters, no conflicts (2 of 4 stars). 2 submissions from 2 submitters: Uncertain significance (2). Last evaluated 2025-09-26.

Conditions:
Idiopathic generalized epilepsy. Also called: Generalised epilepsy; EIG. Identifiers: MedGen C0270850, MONDO:0005579, OMIM 600669.

Allele frequency attached by ClinVar (database versions not stated): gnomAD exomes below 0.00001 and 0.00001; gnomAD 0.00001; TOPMed 0.00003.
gnomAD v4.1: 9 of 1,513,572 alleles (0.00059%); highest among the groups gnomAD compares: African/African-American, 0.0014%; no homozygotes.

Submissions (2):

Ambry Genetics
Classification: Uncertain significance. Last evaluated: 2025-09-26. Review status: criteria provided, single submitter. Criteria: Ambry Variant Classification Scheme 2023. Collection method: clinical testing. Allele origin: germline.

Labcorp Genetics (formerly Invitae), Labcorp
Classification: Uncertain significance for Idiopathic generalized epilepsy. Last evaluated: 2021-10-07. Review status: criteria provided, single submitter. Criteria: Invitae Variant Classification Sherloc (09022015). Collection method: clinical testing. Allele origin: germline.
Comment: This sequence change replaces threonine with alanine at codon 93 of the RBFOX3 protein (p.Thr93Ala). The threonine residue is highly conserved and there is a small physicochemical difference between threonine and alanine. In summary, the available evidence is currently insufficient to determine the role of this variant in disease. Therefore, it has been classified as a Variant of Uncertain Significance. Algorithms developed to predict the effect of missense changes on protein structure and function output the following: SIFT: "Deleterious"; PolyPhen-2: "Benign"; Align-GVGD: "Class C0". The alanine amino acid residue is found in multiple mammalian species, which suggests that this missense change does not adversely affect protein function. This variant has not been reported in the literature in individuals affected with RBFOX3-related conditions. This variant is not present in population databases (ExAC no frequency).

NM_001350451.2(RBFOX3):c.277A>G (p.Thr93Ala)

Gene: RBFOX3 (RNA binding fox-1 homolog 3; minus strand). Cytogenetic location: 17q25.3.
Variant type: single nucleotide variant.
Coding change: c.277A>G on transcript NM_001350451.2 (MANE Select); coding-DNA position 277, A replaced by G.
Protein change: p.Thr93Ala; replaces threonine 93 with alanine.
Molecular consequence: missense variant.
Genome position (GRCh38, 1-based): chr17:79,106,734, T>C on the plus strand (A>G on the coding strand, the complement: RBFOX3 is on the minus strand). VCF-style: chr17-79106734-T-C. GRCh37 (hg19) VCF-style: chr17-77102816-T-C.
Other names: c.277A>G, p.Thr93Ala (NM_001082575.3, NM_001350453.2, NM_001385804.1 and 36 more transcripts); c.274A>G, p.Thr92Ala (NM_001385806.1, NM_001385822.1, NM_001385823.1 and 4 more transcripts); c.277A>G (NM_001082575.1); short protein forms T93A, T92A.
Identifiers: ClinVar variation 1436526 (VCV001436526.7), dbSNP rs1568139609, ClinGen allele CA401317694.